The following is an entry in ClinVar:

NM_000179.3(MSH6):c.1188_1189insGA (p.Tyr397fs)

Gene: MSH6 (mutS homolog 6; plus strand). Cytogenetic location: 2p16.3.
Variant type: Insertion.
Coding change: c.1188_1189insGA on transcript NM_000179.3 (MANE Select); coding-DNA positions 1188 to 1189, GA inserted.
Protein change: p.Tyr397fs; shifts the reading frame from tyrosine 397.
Molecular consequence: frameshift variant.
Genome position: GRCh38 VCF-style: chr2-47799171-C-CGA. GRCh37 (hg19) VCF-style: chr2-48026310-C-CGA.
Other names: c.798_799insGA, p.Tyr267fs (NM_001281492.2); c.282_283insGA, p.Tyr95fs (NM_001281493.2, NM_001281494.2); short protein forms Y95fs, Y267fs, Y397fs.
Identifiers: ClinVar variation 818537 (VCV000818537.4), dbSNP rs1572722080, ClinGen allele CA915943808.

ClinVar aggregate classification (germline): Pathogenic (1 of 4 stars; one submission).

Conditions:
Hereditary cancer-predisposing syndrome. Also called: Tumor predisposition; Hereditary neoplastic syndrome; Neoplastic Syndromes, Hereditary; Hereditary Cancer Syndrome. Identifiers: Orphanet 140162, MedGen C0027672, MeSH D009386, MONDO:0015356.

Submission:

Ambry Genetics
Classification: Pathogenic for Hereditary cancer-predisposing syndrome. Last evaluated: 2019-04-22. Review status: criteria provided, single submitter. Criteria: Ambry Variant Classification Scheme 2023. Collection method: clinical testing. Allele origin: germline.
Comment: The c.1188_1189insGA pathogenic mutation, located in coding exon 4 of the MSH6 gene, results from an insertion of two nucleotides at position 1188, causing a translational frameshift with a predicted alternate stop codon (p.Y397Dfs*15). This alteration is expected to result in loss of function by premature protein truncation or nonsense-mediated mRNA decay. As such, this alteration is interpreted as a disease-causing mutation.